The following is an entry in ClinVar:

ClinVar aggregate classification (germline): Uncertain significance (1 of 4 stars; one submission).

gnomAD v4.1: 1 of 1,611,068 alleles (0.000062%); highest among the groups gnomAD compares: Non-Finnish European, 0.000085%; no homozygotes.

Submission:

GeneDx
Classification: Uncertain significance. Last evaluated: 2024-03-25. Review status: criteria provided, single submitter. Criteria: GeneDx Variant Classification Process June 2021. Collection method: clinical testing. Allele origin: germline. Affected: yes.
Comment: Not observed at significant frequency in large population cohorts (gnomAD); In silico analysis supports that this missense variant has a deleterious effect on protein structure/function; Has not been previously published as pathogenic or benign to our knowledge

NM_001083619.3(GRIA2):c.599A>G (p.Glu200Gly)

Gene: GRIA2 (glutamate ionotropic receptor AMPA type subunit 2; plus strand). Cytogenetic location: 4q32.1.
Variant type: single nucleotide variant.
Coding change: c.599A>G on transcript NM_001083619.3 (MANE Select); coding-DNA position 599, A replaced by G.
Protein change: p.Glu200Gly; replaces glutamic acid 200 with glycine.
Molecular consequence: missense variant.
Genome position (GRCh38, 1-based): chr4:157,312,808, A>G. VCF-style: chr4-157312808-A-G. GRCh37 (hg19) VCF-style: chr4-158233960-A-G.
Other names: c.599A>G, p.Glu200Gly (NM_000826.6); c.458A>G, p.Glu153Gly (NM_001083620.3, NM_001379000.3, NM_001379001.3); short protein forms E153G, E200G.
Identifiers: ClinVar variation 3371539 (VCV003371539.1).